The following is an entry in ClinVar:

NM_001042492.3(NF1):c.4633dup (p.Tyr1545fs)

Gene: NF1 (neurofibromin 1; plus strand). Cytogenetic location: 17q11.2.
Variant type: Duplication.
Coding change: c.4633dup on transcript NM_001042492.3 (MANE Select); coding-DNA position 4633, one base duplicated (T; older notation c.4633dupT).
Protein change: p.Tyr1545fs; shifts the reading frame from tyrosine 1545.
Molecular consequence: frameshift variant.
Genome position (GRCh38, 1-based): chr17:31,261,766, T duplicated. VCF-style (leftmost placement, unchanged base first): chr17-31261765-A-AT. GRCh37 (hg19) VCF-style: chr17-29588783-A-AT.
Other names: c.4570dup, p.Tyr1524Leufs (NM_000267.4); short protein forms Y1524fs, Y1545fs.
Identifiers: ClinVar variation 3647726 (VCV003647726.2).

ClinVar aggregate classification (germline): Pathogenic (1 of 4 stars; one submission).

Conditions:
Neurofibromatosis, type 1 (NF1). Also called: Peripheral type neurofibromatosis; VON RECKLINGHAUSEN DISEASE; Neurofibromatosis, type I; NEUROFIBROMATOSIS, TYPE I, SOMATIC. Identifiers: Orphanet 636, MedGen C0027831, MONDO:0018975, OMIM 162200. Disease mechanism: loss of function.

Submission:

Labcorp Genetics (formerly Invitae), Labcorp
Classification: Pathogenic for Neurofibromatosis, type 1. Last evaluated: 2024-03-26. Review status: criteria provided, single submitter. Criteria: Invitae Variant Classification Sherloc (09022015). Collection method: clinical testing. Allele origin: germline.
Comment: This sequence change creates a premature translational stop signal (p.Tyr1524Leufs*19) in the NF1 gene. It is expected to result in an absent or disrupted protein product. Loss-of-function variants in NF1 are known to be pathogenic (PMID: 10712197, 23913538). This variant is not present in population databases (gnomAD no frequency). This variant has not been reported in the literature in individuals affected with NF1-related conditions. Algorithms developed to predict the effect of sequence changes on RNA splicing suggest that this variant may disrupt the consensus splice site. For these reasons, this variant has been classified as Pathogenic.

Literature cited by the submitters: PubMed 10712197; PubMed 23913538.